The following is an entry in ClinVar:

NM_001430.5(EPAS1):c.2062G>T (p.Gly688Trp)

Gene: EPAS1 (endothelial PAS domain protein 1; plus strand). Cytogenetic location: 2p21.
Variant type: single nucleotide variant.
Coding change: c.2062G>T on transcript NM_001430.5 (MANE Select); coding-DNA position 2062, G replaced by T.
Protein change: p.Gly688Trp; replaces glycine 688 with tryptophan.
Molecular consequence: missense variant.
Genome position (GRCh38, 1-based): chr2:46,381,612, G>T. VCF-style: chr2-46381612-G-T. GRCh37 (hg19) VCF-style: chr2-46608751-G-T.
Other names: short protein forms G688W.
Identifiers: ClinVar variation 1785252 (VCV001785252.2), dbSNP rs1684893232, ClinGen allele CA346705455.
Genomic context (GRCh38, chr2:46,381,612, plus strand): 5'-GTGGCTCCAGACTCCCTCATAGCCTGCTCTCTCGGGCTTGGCAGGTCTGCAAAGGGTTTT[G>T]GGGCTCGAGGCCCAGACGTGCTGAGTCCGGCCATGGTAGCCCTCTCCAACAAGCTGAAGC-3'
Protein context (NP_001421.2, residues 678-698): TFKTRSAKGF[Gly688Trp]ARGPDVLSPA

ClinVar aggregate classification (germline): Uncertain significance (1 of 4 stars; one submission).

Conditions:
Inborn genetic diseases. Identifiers: MedGen C0950123, MeSH D030342.

Allele frequency attached by ClinVar (database versions not stated): gnomAD exomes 0.00001.
gnomAD v4.1: 5 of 1,613,984 alleles (0.00031%); highest among the groups gnomAD compares: Non-Finnish European, 0.00042%; no homozygotes.

Submission:

Ambry Genetics
Classification: Uncertain significance for Inborn genetic diseases. Last evaluated: 2022-03-12. Review status: criteria provided, single submitter. Criteria: Ambry Variant Classification Scheme 2023. Collection method: clinical testing. Allele origin: germline.
Comment: The p.G688W variant (also known as c.2062G>T), located in coding exon 13 of the EPAS1 gene, results from a G to T substitution at nucleotide position 2062. The glycine at codon 688 is replaced by tryptophan, an amino acid with highly dissimilar properties. This amino acid position is conserved. In addition, this alteration is predicted to be tolerated by in silico analysis. Since supporting evidence is limited at this time, the clinical significance of this alteration remains unclear.